The following is an entry in ClinVar:

ClinVar aggregate classification (germline): Likely benign (1 of 4 stars; one submission).

Conditions:
EIF2AK4-related disorder. Also called: EIF2AK4-related condition.

Submission:

PreventionGenetics, part of Exact Sciences
Classification: Likely benign for EIF2AK4-related condition. Last evaluated: 2025-03-24. Review status: criteria provided, single submitter. Criteria: ACMG Guidelines, 2015. Collection method: clinical testing. Allele origin: germline.
Comment: This variant is classified as likely benign based on ACMG/AMP sequence variant interpretation guidelines (Richards et al. 2015 PMID: 25741868, with internal and published modifications).

NM_001013703.4(EIF2AK4):c.4562-7del

Gene: EIF2AK4 (eukaryotic translation initiation factor 2 alpha kinase 4; plus strand). Cytogenetic location: 15q15.1.
Variant type: Deletion.
Coding change: c.4562-7del on transcript NM_001013703.4 (MANE Select); 7 bases into the intron before coding-DNA position 4562, one base deleted (G; older notation c.4562-7delG).
Molecular consequence: intron variant.
Genome position (GRCh38, 1-based): chr15:40,030,352, G deleted; the last of 2 consecutive G bases (chr15:40,030,351-40,030,352); deleting either gives the same sequence. VCF-style (leftmost placement, unchanged base first): chr15-40030350-TG-T. GRCh37 (hg19) VCF-style: chr15-40322551-TG-T.
Identifiers: ClinVar variation 4979856 (VCV004979856.1).